The following is an entry in ClinVar:

ClinVar aggregate classification (germline): Uncertain significance (1 of 4 stars; one submission).

Conditions:
Hereditary cancer-predisposing syndrome. Also called: Neoplastic Syndromes, Hereditary; Tumor predisposition; Hereditary Cancer Syndrome; Hereditary neoplastic syndrome. Identifiers: Orphanet 140162, MedGen C0027672, MeSH D009386, MONDO:0015356.

Submission:

Ambry Genetics
Classification: Uncertain significance for Hereditary cancer-predisposing syndrome. Last evaluated: 2026-05-11. Review status: criteria provided, single submitter. Criteria: Ambry Variant Classification Scheme 2023. Collection method: clinical testing. Allele origin: germline.
Comment: The p.H178Y variant (also known as c.532C>T), located in coding exon 3 of the PTCH1 gene, results from a C to T substitution at nucleotide position 532. The histidine at codon 178 is replaced by tyrosine, an amino acid with similar properties. This amino acid position is highly conserved in available vertebrate species. In addition, this alteration is predicted to be deleterious by in silico analysis. Based on the available evidence, the clinical significance of this variant remains unclear.

NM_000264.5(PTCH1):c.532C>T (p.His178Tyr)

Gene: PTCH1 (patched 1; minus strand). Cytogenetic location: 9q22.32.
Variant type: single nucleotide variant.
Coding change: c.532C>T on transcript NM_000264.5 (MANE Select); coding-DNA position 532, C replaced by T.
Protein change: p.His178Tyr; replaces histidine 178 with tyrosine.
Molecular consequence: missense variant. On other transcripts: non-coding transcript variant (1).
Genome position (GRCh38, 1-based): chr9:95,485,737, G>A on the plus strand (C>T on the coding strand, the complement: PTCH1 is on the minus strand). VCF-style: chr9-95485737-G-A. GRCh37 (hg19) VCF-style: chr9-98248019-G-A.
Other names: c.529C>T, p.His177Tyr (NM_001083603.3); c.79C>T, p.His27Tyr (NM_001083604.3, NM_001083605.3, NM_001083606.3 and 1 more transcripts); c.532C>T, p.His178Tyr (NM_001354918.2); c.334C>T, p.His112Tyr (NM_001354919.2, NM_001083602.3); short protein forms H112Y, H177Y, H178Y, H27Y.
Identifiers: ClinVar variation 4862694 (VCV004862694.1).